The following is an entry in ClinVar:

NM_206933.4(USH2A):c.2161G>A (p.Val721Ile)

Gene: USH2A (usherin; minus strand). Cytogenetic location: 1q41.
Variant type: single nucleotide variant.
Coding change: c.2161G>A on transcript NM_206933.4 (MANE Select); coding-DNA position 2161, G replaced by A.
Protein change: p.Val721Ile; replaces valine 721 with isoleucine.
Molecular consequence: missense variant.
Genome position (GRCh38, 1-based): chr1:216,250,909, C>T on the plus strand (G>A on the coding strand, the complement: USH2A is on the minus strand). VCF-style: chr1-216250909-C-T. GRCh37 (hg19) VCF-style: chr1-216424251-C-T.
Other names: c.2161G>A, p.Val721Ile (NM_007123.6); short protein forms V721I.
Identifiers: ClinVar variation 2296327 (VCV002296327.5), dbSNP rs776935886, ClinGen allele CA1396297.

ClinVar aggregate classification (germline): Uncertain significance. Review status: criteria provided, multiple submitters, no conflicts (2 of 4 stars). 3 submissions from 3 submitters: Uncertain significance (3). Last evaluated 2025-04-18.

Conditions:
Inborn genetic diseases. Identifiers: MedGen C0950123, MeSH D030342.

Allele frequency attached by ClinVar (database versions not stated): ExAC 0.00001; gnomAD exomes 0.00001.
gnomAD v4.1: 8 of 1,613,866 alleles (0.0005%); highest among the groups gnomAD compares: South Asian, 0.0022%; no homozygotes.

Submissions (3):

Ambry Genetics
Classification: Uncertain significance for Inborn genetic diseases. Last evaluated: 2025-04-18. Review status: criteria provided, single submitter. Criteria: Ambry Variant Classification Scheme 2023. Collection method: clinical testing. Allele origin: germline.

GeneDx
Classification: Uncertain significance. Last evaluated: 2023-08-11. Review status: criteria provided, single submitter. Criteria: GeneDx Variant Classification Process June 2021. Collection method: clinical testing. Allele origin: germline. Affected: yes.
Comment: Not observed at significant frequency in large population cohorts (gnomAD); In silico analysis supports that this missense variant does not alter protein structure/function; Has not been previously published as pathogenic or benign to our knowledge

Blueprint Genetics
Classification: Uncertain significance. Last evaluated: 2022-08-22. Review status: criteria provided, single submitter. Criteria: ACMG Guidelines, 2015. Collection method: clinical testing. Allele origin: germline.